The following is an entry in ClinVar:

ClinVar aggregate classification (germline): Uncertain significance. Review status: criteria provided, multiple submitters, no conflicts (2 of 4 stars). 2 submissions from 2 submitters: Uncertain significance (2). Last evaluated 2025-07-02.

Submissions (2):

Labcorp Genetics (formerly Invitae), Labcorp
Classification: Uncertain significance. Last evaluated: 2025-07-02. Review status: criteria provided, single submitter. Criteria: Invitae Variant Classification Sherloc (09022015). Collection method: clinical testing. Allele origin: germline.
Comment: This sequence change replaces valine, which is neutral and non-polar, with methionine, which is neutral and non-polar, at codon 639 of the EMC1 protein (p.Val639Met). This variant is not present in population databases (gnomAD no frequency). This variant has not been reported in the literature in individuals affected with EMC1-related conditions. ClinVar contains an entry for this variant (Variation ID: 3363605). Invitae Evidence Modeling of protein sequence and biophysical properties (such as structural, functional, and spatial information, amino acid conservation, physicochemical variation, residue mobility, and thermodynamic stability) indicates that this missense variant is expected to disrupt EMC1 protein function with a positive predictive value of 80%. In summary, the available evidence is currently insufficient to determine the role of this variant in disease. Therefore, it has been classified as a Variant of Uncertain Significance.

GeneDx
Classification: Uncertain significance. Last evaluated: 2023-10-30. Review status: criteria provided, single submitter. Criteria: GeneDx Variant Classification Process June 2021. Collection method: clinical testing. Allele origin: germline. Affected: yes.
Comment: Not observed at significant frequency in large population cohorts (gnomAD); In silico analysis supports that this missense variant does not alter protein structure/function; Has not been previously published as pathogenic or benign to our knowledge

NM_015047.3(EMC1):c.1915G>A (p.Val639Met)

Genes: EMC1 (ER membrane protein complex subunit 1; minus strand), EMC1-AS1 (EMC1 antisense RNA 1; plus strand). Cytogenetic location: 1p36.13.
Variant type: single nucleotide variant.
Coding change: c.1915G>A on transcript NM_015047.3 (MANE Select); coding-DNA position 1915, G replaced by A.
Protein change: p.Val639Met; replaces valine 639 with methionine.
Molecular consequence: missense variant.
Genome position (GRCh38, 1-based): chr1:19,231,290, C>T on the plus strand (G>A on the coding strand, the complement: EMC1 is on the minus strand). VCF-style: chr1-19231290-C-T. GRCh37 (hg19) VCF-style: chr1-19557784-C-T.
Other names: c.1912G>A, p.Val638Met (NM_001271428.2, NM_001271427.2); c.1849G>A, p.Val617Met (NM_001271429.2); c.1924G>A, p.Val642Met (NM_001375820.1); c.1921G>A, p.Val641Met (NM_001375821.1); short protein forms V617M, V638M, V639M, V641M, V642M.
Identifiers: ClinVar variation 3363605 (VCV003363605.2).